The following is an entry in ClinVar:

NM_007118.4(TRIO):c.7796G>T (p.Cys2599Phe)

Gene: TRIO (trio Rho guanine nucleotide exchange factor; plus strand). Cytogenetic location: 5p15.2.
Variant type: single nucleotide variant.
Coding change: c.7796G>T on transcript NM_007118.4 (MANE Select); coding-DNA position 7796, G replaced by T.
Protein change: p.Cys2599Phe; replaces cysteine 2599 with phenylalanine.
Molecular consequence: missense variant. On other transcripts: non-coding transcript variant (1).
Genome position (GRCh38, 1-based): chr5:14,492,730, G>T. VCF-style: chr5-14492730-G-T. GRCh37 (hg19) VCF-style: chr5-14492839-G-T.
Other names: short protein forms C2599F.
Identifiers: ClinVar variation 5016725 (VCV005016725.1).

ClinVar aggregate classification (germline): Uncertain significance (1 of 4 stars; one submission).

gnomAD v4.1: 2 of 1,614,142 alleles (0.00012%); highest among the groups gnomAD compares: Non-Finnish European, 0.00017%; no homozygotes.

Submission:

GeneDx
Classification: Uncertain significance. Last evaluated: 2026-04-10. Review status: criteria provided, single submitter. Criteria: GeneDx Variant Classification Process June 2021. Collection method: clinical testing. Allele origin: germline.
Comment: Not observed at significant frequency in large population cohorts (gnomAD); In silico analysis supports that this missense variant has a deleterious effect on protein structure/function; Has not been previously published as pathogenic or benign to our knowledge